The following is an entry in ClinVar:

ClinVar aggregate classification (germline): Uncertain significance (1 of 4 stars; one submission).

Conditions:
SYT1-related disorder. Also called: SYT1-related condition.

gnomAD v4.1: 1 of 1,613,668 alleles (0.000062%); no homozygotes.

Submission:

PreventionGenetics, part of Exact Sciences
Classification: Uncertain significance for SYT1-related condition. Last evaluated: 2025-07-01. Review status: criteria provided, single submitter. Criteria: ACMG Guidelines, 2015. Collection method: clinical testing. Allele origin: germline.
Comment: The SYT1 c.527G>A variant is predicted to result in the amino acid substitution p.Gly176Asp. To our knowledge, this variant has not been reported in the literature or in a large population database (gnomAD), indicating this variant is rare. At this time, the clinical significance of this variant is uncertain due to the absence of conclusive functional and genetic evidence.

NM_005639.3(SYT1):c.527G>A (p.Gly176Asp)

Gene: SYT1 (synaptotagmin 1; plus strand). Cytogenetic location: 12q21.2.
Variant type: single nucleotide variant.
Coding change: c.527G>A on transcript NM_005639.3 (MANE Select); coding-DNA position 527, G replaced by A.
Protein change: p.Gly176Asp; replaces glycine 176 with aspartic acid.
Molecular consequence: missense variant.
Genome position (GRCh38, 1-based): chr12:79,296,121, G>A. VCF-style: chr12-79296121-G-A. GRCh37 (hg19) VCF-style: chr12-79689901-G-A.
Other names: c.527G>A, p.Gly176Asp (NM_001135805.2, NM_001135806.2, NM_001415938.1 and 2 more transcripts); c.518G>A, p.Gly173Asp (NM_001291901.2, NM_001415941.1, NM_001415942.1 and 1 more transcripts); short protein forms G173D, G176D.
Identifiers: ClinVar variation 4985796 (VCV004985796.1).